The following is an entry in ClinVar:

ClinVar aggregate classification (germline): Uncertain significance (1 of 4 stars; one submission).

Allele frequency attached by ClinVar (database versions not stated): gnomAD exomes below 0.00001; TOPMed below 0.00001.
gnomAD v4.1: 1 of 1,586,396 alleles (0.000063%); highest among the groups gnomAD compares: East Asian, 0.0023%; no homozygotes.

Submission:

Labcorp Genetics (formerly Invitae), Labcorp
Classification: Uncertain significance. Last evaluated: 2022-07-13. Review status: criteria provided, single submitter. Criteria: Invitae Variant Classification Sherloc (09022015). Collection method: clinical testing. Allele origin: germline.
Comment: This sequence change replaces threonine, which is neutral and polar, with alanine, which is neutral and non-polar, at codon 1384 of the ALPK3 protein (p.Thr1384Ala). In summary, the available evidence is currently insufficient to determine the role of this variant in disease. Therefore, it has been classified as a Variant of Uncertain Significance. Algorithms developed to predict the effect of missense changes on protein structure and function output the following: SIFT: "Tolerated"; PolyPhen-2: "Benign"; Align-GVGD: "Class C0". The alanine amino acid residue is found in multiple mammalian species, which suggests that this missense change does not adversely affect protein function. This variant has not been reported in the literature in individuals affected with ALPK3-related conditions. The frequency data for this variant in the population databases is considered unreliable, as metrics indicate poor data quality at this position in the gnomAD database.

NM_020778.5(ALPK3):c.3544A>G (p.Thr1182Ala)

Gene: ALPK3 (alpha kinase 3; plus strand). Cytogenetic location: 15q25.3.
Variant type: single nucleotide variant.
Coding change: c.3544A>G on transcript NM_020778.5 (MANE Select); coding-DNA position 3544, A replaced by G.
Protein change: p.Thr1182Ala; replaces threonine 1182 with alanine.
Molecular consequence: missense variant.
Genome position (GRCh38, 1-based): chr15:84,858,282, A>G. VCF-style: chr15-84858282-A-G. GRCh37 (hg19) VCF-style: chr15-85401513-A-G.
Other names: short protein forms T1182A.
Identifiers: ClinVar variation 2016725 (VCV002016725.4), dbSNP rs1253277921, ClinGen allele CA393360475.